The following is an entry in ClinVar:

ClinVar aggregate classification (germline): Uncertain significance. Review status: criteria provided, multiple submitters, no conflicts (2 of 4 stars). 3 submissions from 3 submitters: Uncertain significance (3). Last evaluated 2026-06-03.

Conditions:
Inborn genetic diseases. Identifiers: MedGen C0950123, MeSH D030342.
RP1L1-related disorder. Also called: RP1L1-related condition.

Allele frequency attached by ClinVar (database versions not stated): gnomAD 0.00001; gnomAD exomes 0.00002; TOPMed 0.00002; ExAC 0.00004.
gnomAD v4.1: 38 of 1,608,928 alleles (0.0024%); highest among the groups gnomAD compares: Admixed American, 0.013%; no homozygotes.

Submissions (3):

PreventionGenetics, part of Exact Sciences
Classification: Uncertain significance for RP1L1-related condition. Last evaluated: 2026-06-03. Review status: criteria provided, single submitter. Criteria: ACMG Guidelines, 2015. Collection method: clinical testing. Allele origin: germline.
Comment: The RP1L1 c.3217C>T variant is predicted to result in the amino acid substitution p.Arg1073Trp. This variant has been reported as a variant of uncertain significance in an individual with retinal disease (Table S1, Gopinath et al. 2023. PubMed ID: 36648511). This variant is present in 0.011% of alleles in individuals of Latino descent in gnomAD. At this time, the clinical significance of this variant is uncertain due to the absence of conclusive functional and genetic evidence.

Ambry Genetics
Classification: Uncertain significance for Inborn genetic diseases. Last evaluated: 2025-11-02. Review status: criteria provided, single submitter. Criteria: Ambry Variant Classification Scheme 2023. Collection method: clinical testing. Allele origin: germline.
Comment: The c.3217C>T (p.R1073W) alteration is located in exon 4 (coding exon 3) of the RP1L1 gene. This alteration results from a C to T substitution at nucleotide position 3217, causing the arginine (R) at amino acid position 1073 to be replaced by a tryptophan (W). Based on data from gnomAD, the T allele has an overall frequency of 0.002% (6/268934) total alleles studied. The highest observed frequency was 0.012% (4/34886) of Latino alleles. Based on insufficient or conflicting evidence, the clinical significance of this alteration remains unclear.

Blueprint Genetics
Classification: Uncertain significance. Last evaluated: 2023-08-04. Review status: criteria provided, single submitter. Criteria: ACMG Guidelines, 2015. Collection method: clinical testing. Allele origin: germline.

NM_178857.6(RP1L1):c.3217C>T (p.Arg1073Trp)

Gene: RP1L1 (RP1 like 1). Cytogenetic location: 8p23.1.
Variant type: single nucleotide variant.
Coding change: c.3217C>T on transcript NM_178857.6 (MANE Select); coding-DNA position 3217, C replaced by T.
Protein change: p.Arg1073Trp; replaces arginine 1073 with tryptophan.
Molecular consequence: missense variant.
Genome position (GRCh38, 1-based): chr8:10,610,881, G>A on the plus strand (C>T on the coding strand, the complement: RP1L1 is on the minus strand). VCF-style: chr8-10610881-G-A. GRCh37 (hg19) VCF-style: chr8-10468391-G-A.
Other names: short protein forms R1073W.
Identifiers: ClinVar variation 866102 (VCV000866102.7), dbSNP rs771785916, ClinGen allele CA4624566.